The following is an entry in ClinVar:

ClinVar aggregate classification (germline): Benign (1 of 4 stars; one submission).

Conditions:
Tumoral calcinosis, hyperphosphatemic, familial, 1. Also called: LIPOCALCINOGRANULOMATOSIS; MORBUS TEUTSCHLAENDER; TEUTSCHLAENDER DISEASE, FAMILIAL; TUMORAL CALCINOSIS, PRIMARY HYPERPHOSPHATEMIC; CALCINOSIS, TUMORAL, WITH HYPERPHOSPHATEMIA; HYPEROSTOSIS WITH HYPERPHOSPHATEMIA. Identifiers: Orphanet 53715, MedGen C4692564, MONDO:0100252, OMIM 211900.

Allele frequency attached by ClinVar (database versions not stated): gnomAD exomes 0.00104; gnomAD 0.00696 and 0.00728; TOPMed 0.00776; 1000 Genomes Project 0.00859; 1000 Genomes Project 30x 0.00890.

Submission:

Illumina Laboratory Services, Illumina
Classification: Benign for Tumoral calcinosis, hyperphosphatemic, familial, 1. Last evaluated: 2018-01-13. Review status: criteria provided, single submitter. Criteria: ICSL Variant Classification Criteria 13 December 2019. Collection method: clinical testing. Allele origin: germline.
Comment: This variant was observed in the ICSL laboratory as part of a predisposition screen in an ostensibly healthy population. It had not been previously curated by ICSL or reported in the Human Gene Mutation Database (HGMD: prior to June 1st, 2018), and was therefore a candidate for classification through an automated scoring system. Utilizing variant allele frequency, disease prevalence and penetrance estimates, and inheritance mode, an automated score was calculated to assess if this variant is too frequent to cause the disease. Based on the score and internal cut-off values, a variant classified as benign is not then subjected to further curation. The score for this variant resulted in a classification of benign for this disease.

NM_004482.4(GALNT3):c.*515G>A

Gene: GALNT3 (polypeptide N-acetylgalactosaminyltransferase 3; minus strand). Cytogenetic location: 2q24.3.
Variant type: single nucleotide variant.
Coding change: c.*515G>A on transcript NM_004482.4 (MANE Select); 515 bases downstream of the stop codon, G replaced by A.
Molecular consequence: 3 prime UTR variant.
Genome position (GRCh38, 1-based): chr2:165,748,266, C>T on the plus strand (G>A on the coding strand, the complement: GALNT3 is on the minus strand). VCF-style: chr2-165748266-C-T. GRCh37 (hg19) VCF-style: chr2-166604776-C-T.
Identifiers: ClinVar variation 331774 (VCV000331774.5), dbSNP rs144354033, ClinGen allele CA10612690.